The following is an entry in ClinVar:

ClinVar aggregate classification (germline): Pathogenic (1 of 4 stars; one submission).

Submission:

Labcorp Genetics (formerly Invitae), Labcorp
Classification: Pathogenic. Last evaluated: 2023-05-24. Review status: criteria provided, single submitter. Criteria: Invitae Variant Classification Sherloc (09022015). Collection method: clinical testing. Allele origin: germline.
Comment: For these reasons, this variant has been classified as Pathogenic. This variant has not been reported in the literature in individuals affected with CYP24A1-related conditions. This variant is present in population databases (no rsID available, gnomAD 0.004%). This sequence change creates a premature translational stop signal (p.Asn341Ilefs*31) in the CYP24A1 gene. It is expected to result in an absent or disrupted protein product. Loss-of-function variants in CYP24A1 are known to be pathogenic (PMID: 21675912).

Literature cited by the submitters: PubMed 21675912.

NM_000782.5(CYP24A1):c.1022del (p.Asn341fs)

Gene: CYP24A1 (cytochrome P450 family 24 subfamily A member 1; minus strand). Cytogenetic location: 20q13.2.
Variant type: Deletion.
Coding change: c.1022del on transcript NM_000782.5 (MANE Select); coding-DNA position 1022, one base deleted (A; older notation c.1022delA).
Protein change: p.Asn341fs; shifts the reading frame from asparagine 341.
Molecular consequence: frameshift variant.
Genome position (GRCh38, 1-based): chr20:54,159,092, T deleted on the plus strand (A on the coding strand, the reverse complement: CYP24A1 is on the minus strand); the first of 2 consecutive T bases (chr20:54,159,092-54,159,093); deleting either gives the same sequence. VCF-style (leftmost placement, unchanged base first): chr20-54159091-AT-A. GRCh37 (hg19) VCF-style: chr20-52775630-AT-A.
Other names: c.1022del, p.Asn341fs (NM_001128915.2, NM_001424340.1, NM_001424341.1 and 2 more transcripts); short protein forms N341fs.
Identifiers: ClinVar variation 2912919 (VCV002912919.3), dbSNP rs1207503913, ClinGen allele CA510908994.